The following is an entry in ClinVar:

ClinVar aggregate classification (germline): Pathogenic. Review status: criteria provided, multiple submitters, no conflicts (2 of 4 stars). 7 submissions from 7 submitters: Pathogenic (7). Last evaluated 2025-06-02.

Conditions:
KAT6B-related disorder. Also called: KAT6B-related disorders; KAT6B-related condition.
Genitopatellar syndrome (GTPTS). Also called: Genitopatellar syndrome (GPS); ABSENT PATELLAE, SCROTAL HYPOPLASIA, RENAL ANOMALIES, FACIAL DYSMORPHISM, AND MENTAL RETARDATION. Identifiers: Orphanet 85201, MedGen C1853566, MONDO:0011640, OMIM 606170.
Blepharophimosis - intellectual disability syndrome, SBBYS type (SBBYSS). Also called: Say-Barber-Biesecker variant of Ohdo syndrome (SBBYSS); Say-Barber-Biesecker-Young-Simpson syndrome; Ohdo syndrome, SBBYS variant; SBBYSS syndrome; Say-Barber-Biesecker-Young-Simpson variant of Ohdo Syndrome; Say-Barber-Biesecker Variant of Ohdo Syndrome. Identifiers: Orphanet 3047, MedGen C1863557, MONDO:0011365, OMIM 603736.

Submissions (7):

GeneDx
Classification: Pathogenic. Last evaluated: 2025-06-02. Review status: criteria provided, single submitter. Criteria: GeneDx Variant Classification Process June 2021. Collection method: clinical testing. Allele origin: germline. Affected: yes.
Comment: Nonsense variant predicted to result in protein truncation or nonsense mediated decay in a gene for which loss of function is a known mechanism of disease; Not observed at significant frequency in large population cohorts (gnomAD); This variant is associated with the following publications: (PMID: 35904121, 36939041, 32424177)

Institute of Human Genetics, University of Leipzig Medical Center
Classification: Pathogenic for Blepharophimosis - intellectual disability syndrome, SBBYS type. Last evaluated: 2024-03-27. Review status: criteria provided, single submitter. Criteria: ACMG Guidelines, 2015. Collection method: clinical testing. Allele origin: unknown. Inheritance: Autosomal dominant inheritance. Affected: yes.
Comment: Criteria applied: PVS1,PS2,PM2_SUP

PreventionGenetics, part of Exact Sciences
Classification: Pathogenic for KAT6B-related condition. Last evaluated: 2023-05-03. Review status: criteria provided, single submitter. Criteria: ACMG Guidelines, 2015. Collection method: clinical testing. Allele origin: germline.
Comment: The KAT6B c.3172C>T variant is predicted to result in premature protein termination (p.Arg1058*). This variant has been reported in individuals with Say-Barber-Bieseker-Young-Simpson syndrome (Table S1, Zhang et al 2020. PubMed ID: 32424177). This variant has not been reported in a large population database, indicating this variant is rare. Nonsense variants in KAT6B are expected to be pathogenic. This variant is interpreted as pathogenic.

Labcorp Genetics (formerly Invitae), Labcorp
Classification: Pathogenic for Genitopatellar syndrome. Last evaluated: 2022-07-11. Review status: criteria provided, single submitter. Criteria: Invitae Variant Classification Sherloc (09022015). Collection method: clinical testing. Allele origin: germline.
Comment: For these reasons, this variant has been classified as Pathogenic. This variant disrupts a region of the KAT6B protein in which other variant(s) (p.Arg1797*) have been determined to be pathogenic (PMID: 22077973, 23436491). This suggests that this is a clinically significant region of the protein, and that variants that disrupt it are likely to be disease-causing. Algorithms developed to predict the effect of sequence changes on RNA splicing suggest that this variant may create or strengthen a splice site. ClinVar contains an entry for this variant (Variation ID: 523902). This variant has not been reported in the literature in individuals affected with KAT6B-related conditions. This variant is not present in population databases (gnomAD no frequency). This sequence change creates a premature translational stop signal (p.Arg1058*) in the KAT6B gene. While this is not anticipated to result in nonsense mediated decay, it is expected to disrupt the last 1016 amino acid(s) of the KAT6B protein.

Victorian Clinical Genetics Services, Murdoch Childrens Research Institute
Classification: Pathogenic for Blepharophimosis - intellectual disability syndrome, SBBYS type. Last evaluated: 2021-05-06. Review status: criteria provided, single submitter. Criteria: ACMG Guidelines, 2015. Collection method: clinical testing. Allele origin: germline. Inheritance: Autosomal dominant inheritance. Affected: yes.
Comment: Based on the classification scheme VCGS_Germline_v1.3.4, this variant is classified as Pathogenic. Following criteria are met: 0103 - Loss- and gain of function are mechanisms of disease in this gene and are associated with SBBYSS (MIM#603736) and Genitopatellar syndrome (GPS) (MIM#606170), respectively. NMD-predicted variants have a loss of function mechanism, and cause SBBYSS. Protein truncating variants (PTVs) found in the last exon have been reported in individuals with both conditions. PTVs found in the proximal end of the final exon have been reported in individuals with GPS, and are suspected of having a gain of function mechanism. Individuals with PTVs in the terminal end of the final exon have SBBYSS (PMID: 22715153, PMID: 32424177). (I) 0107 - This gene is associated with autosomal dominant disease. (I) 0201 - Variant is predicted to cause nonsense-mediated decay (NMD) and loss of protein (premature termination codon is located at least 54 nucleotides upstream of the final exon-exon junction). (SP) 0251 - This variant is heterozygous. (I) 0301 - Variant is absent from gnomAD (both v2 and v3). (SP) 0701 - Other NMD-predicted variants comparable to the one identified in this case have very strong previous evidence for pathogenicity. These variant have been reported many times as pathogenic, and are consistently reported in individuals with Say-Barber-Biesecker-Young-Simpson syndrome (SBBYSS) (Decipher, PMID: 32424177). (SP) 0801 - This variant has strong previous evidence of pathogenicity in unrelated individuals. This variant has been reported as pathogenic (ClinVar), and identified as de novo in two individuals with SBBYSS (PMID: 32424177). (SP) Legend: (SP) - Supporting pathogenic, (I) - Information, (SB) - Supporting benign

Baylor Genetics
Classification: Pathogenic for Blepharophimosis - intellectual disability syndrome, SBBYS type. Last evaluated: 2019-01-16. Review status: criteria provided, single submitter. Criteria: ACMG Guidelines, 2015. Collection method: clinical testing. Allele origin: de novo. Affected: yes.
Comment: This variant was determined to be pathogenic according to ACMG Guidelines, 2015 [PMID:25741868].

Institute for Genomic Statistics and Bioinformatics, University Hospital Bonn
Classification: Pathogenic for Blepharophimosis - intellectual disability syndrome, SBBYS type; Genitopatellar syndrome. Review status: criteria provided, single submitter. Criteria: ACMG Guidelines, 2015. Collection method: clinical testing. Allele origin: de novo. Inheritance: Autosomal dominant inheritance. Affected: yes. Observed: 1 heterozygote.
Comment: ACMG classification: pathogenic (class 5: PVS1, PS2, PM2, PP5)

Literature cited by the submitters: PubMed 22077973 (cited by Labcorp Genetics (formerly Invitae), Labcorp); PubMed 23436491 (cited by Labcorp Genetics (formerly Invitae), Labcorp); PubMed 22715153 (cited by Victorian Clinical Genetics Services, Murdoch Childrens Research Institute); PubMed 32424177 (cited by Victorian Clinical Genetics Services, Murdoch Childrens Research Institute).

NM_012330.4(KAT6B):c.3172C>T (p.Arg1058Ter)

Gene: KAT6B (lysine acetyltransferase 6B; plus strand). Cytogenetic location: 10q22.2.
Variant type: single nucleotide variant.
Coding change: c.3172C>T on transcript NM_012330.4 (MANE Select); coding-DNA position 3172, C replaced by T.
Protein change: p.Arg1058Ter; replaces arginine 1058 with a stop codon.
Molecular consequence: nonsense.
Genome position (GRCh38, 1-based): chr10:75,022,031, C>T. VCF-style: chr10-75022031-C-T. GRCh37 (hg19) VCF-style: chr10-76781789-C-T.
Other names: c.2623C>T, p.Arg875Ter (NM_001256468.2, NM_001370138.1); c.2296C>T, p.Arg766Ter (NM_001256469.2, NM_001370139.1, NM_001370140.1 and 2 more transcripts); c.2134C>T, p.Arg712Ter (NM_001370132.1); c.1483C>T, p.Arg495Ter (NM_001370133.1); c.1087C>T, p.Arg363Ter (NM_001370134.1); c.829C>T, p.Arg277Ter (NM_001370135.1); c.3172C>T, p.Arg1058Ter (NM_001370136.1, NM_001370137.1); c.2107C>T, p.Arg703Ter (NM_001370143.1, NM_001370144.1); short protein forms R1058*, R277*, R495*, R712*, R363*, R703*, R766*, R875*.
Identifiers: ClinVar variation 523902 (VCV000523902.19), dbSNP rs1554843815, ClinGen allele CA377283993.